The following is an entry in ClinVar:

ClinVar aggregate classification (germline): Likely benign (1 of 4 stars; one submission).

Conditions:
APC-related disorder. Also called: APC-related condition.

Submission:

PreventionGenetics, part of Exact Sciences
Classification: Likely benign for APC-related condition. Last evaluated: 2026-02-20. Review status: criteria provided, single submitter. Criteria: ACMG Guidelines, 2015. Collection method: clinical testing. Allele origin: germline.
Comment: This variant is classified as likely benign based on ACMG/AMP sequence variant interpretation guidelines (Richards et al. 2015 PMID: 25741868, with internal and published modifications).

NM_000038.6(APC):c.-49G>A

Gene: APC (APC regulator of Wnt signaling pathway; plus strand). Cytogenetic location: 5q22.2.
Variant type: single nucleotide variant.
Coding change: c.-49G>A on transcript NM_000038.6 (MANE Select); 49 bases upstream of the start codon, G replaced by A.
Molecular consequence: 5 prime UTR variant. On other transcripts: intron variant (17).
Genome position (GRCh38, 1-based): chr5:112,737,895, G>A. VCF-style: chr5-112737895-G-A. GRCh37 (hg19) VCF-style: chr5-112073592-G-A.
Other names: c.-157G>A (NM_001127510.3, NM_001407449.1, NM_001407455.1 and 1 more transcripts); c.-49G>A (NM_001354896.2, NM_001354899.2, NM_001354903.2 and 2 more transcripts); c.-79G>A (NM_001354898.2, NM_001354904.2, NM_001407451.1); c.-73G>A (NM_001354900.2, NM_001354901.2, NM_001354905.2); c.-1084G>A (NM_001354906.2, NM_001407471.1); c.-1053-16978G>A (NM_001407470.1, NM_001407472.1); c.-18-16978G>A (NM_001407447.1, NM_001354895.2, NM_001407456.1 and 7 more transcripts); c.166-28431G>A (NM_001407446.1, NM_001354897.2, NM_001354902.2 and 1 more transcripts); and 1 more.
Identifiers: ClinVar variation 4990198 (VCV004990198.1).
Genomic context (GRCh38, chr5:112,737,895, plus strand): 5'-GGCGCACGTGACCGACATGTGGCTGTATTGGTGCAGCCCGCCAGGGTGTCACTGGAGACA[G>A]AATGGAGGTGCTGCCGGACTCGGAAATGGGGTAGGTGCTGGAGCCACCATGGCCAGGCTT-3'